The following is an entry in ClinVar:

ClinVar aggregate classification (germline): Uncertain significance (1 of 4 stars; one submission).

Submission:

GeneDx
Classification: Uncertain significance. Last evaluated: 2024-02-01. Review status: criteria provided, single submitter. Criteria: GeneDx Variant Classification Process June 2021. Collection method: clinical testing. Allele origin: germline. Affected: yes.
Comment: Frameshift variant predicted to result in protein truncation or nonsense mediated decay in a gene or region of a gene for which loss of function is not a well-established mechanism of disease; Not observed at significant frequency in large population cohorts (gnomAD); Has not been previously published as pathogenic or benign to our knowledge

NM_001829.4(CLCN3):c.766del (p.Tyr256fs)

Gene: CLCN3 (chloride voltage-gated channel 3; plus strand). Cytogenetic location: 4q33.
Variant type: Deletion.
Coding change: c.766del on transcript NM_001829.4 (MANE Select); coding-DNA position 766, one base deleted (T; older notation c.766delT).
Protein change: p.Tyr256fs; shifts the reading frame from tyrosine 256.
Molecular consequence: frameshift variant.
Genome position (GRCh38, 1-based): chr4:169,692,150, T deleted; the last of 2 consecutive T bases (chr4:169,692,149-169,692,150); deleting either gives the same sequence. VCF-style (leftmost placement, unchanged base first): chr4-169692148-GT-G. GRCh37 (hg19) VCF-style: chr4-170613299-GT-G.
Other names: c.766del, p.Tyr256fs (NM_001243372.2, NM_173872.4); c.685del, p.Tyr229fs (NM_001243374.2); short protein forms Y229fs, Y256fs.
Identifiers: ClinVar variation 3368482 (VCV003368482.1).